The following is an entry in ClinVar:

ClinVar aggregate classification (germline): Uncertain significance (1 of 4 stars; one submission).

Conditions:
Inflammatory bowel disease 30. Also called: INFLAMMATORY BOWEL DISEASE (CROHN DISEASE) 30. Identifiers: MedGen C5436750, MONDO:0033643, OMIM 619079.

Submission:

Paediatric Laboratory, Institute for Maternal and Child Health - IRCCS Burlo Garofolo
Classification: Uncertain significance for Inflammatory bowel disease 30. Last evaluated: 2024-12-02. Review status: criteria provided, single submitter. Criteria: ACMG Guidelines, 2015. Collection method: clinical testing. Allele origin: germline.
Comment: The NM_014959.5:c.1057T>G variant is predicted to result in the substitution of the serine residue at position 353 with an alanine. This variant is absent from the gnomAD v4.1.0 population database [PM2]. Multiple computational tools consistently predict little to no impact on the gene or its product [BP4].

NM_001184900.3(CARD8):c.1207T>G (p.Ser403Ala)

Gene: CARD8 (caspase recruitment domain family member 8; minus strand). Cytogenetic location: 19q13.33.
Variant type: single nucleotide variant.
Coding change: c.1207T>G on transcript NM_001184900.3 (MANE Select); coding-DNA position 1207, T replaced by G.
Protein change: p.Ser403Ala; replaces serine 403 with alanine.
Molecular consequence: missense variant. On other transcripts: non-coding transcript variant (2), intron variant (7).
Genome position (GRCh38, 1-based): chr19:48,218,967, A>C on the plus strand (T>G on the coding strand, the complement: CARD8 is on the minus strand). VCF-style: chr19-48218967-A-C. GRCh37 (hg19) VCF-style: chr19-48722224-A-C.
Other names: NM_001184900.3:c.1207T>G; NP_001171829.1:p.(Ser403Ala); NP_055774.2:p.(Ser353Ala); c.1057T>G, p.Ser353Ala (NM_001184901.1, NM_001351783.2, NM_014959.5); c.1207T>G, p.Ser403Ala (NM_001351782.2); c.892T>G, p.Ser298Ala (NM_001351784.2, NM_001351787.2); c.871T>G, p.Ser291Ala (NM_001351786.2); c.889T>G, p.Ser297Ala (NM_001365950.1); and 4 more; short protein forms S291A, S297A, S298A, S353A, S403A.
Identifiers: ClinVar variation 3393338 (VCV003393338.1).